The following is an entry in ClinVar:

ClinVar aggregate classification (germline): Likely benign (1 of 4 stars; one submission).

Submission:

CeGaT Center for Human Genetics Tuebingen
Classification: Likely benign. Last evaluated: 2026-07-01. Review status: criteria provided, single submitter. Criteria: CeGaT Center For Human Genetics Tuebingen Variant Classification Criteria Version 2. Collection method: clinical testing. Allele origin: germline. Affected: yes. Observed: 3 variant alleles.
Comment: DEAF1: BS2

NM_021008.4(DEAF1):c.1593+3910GTTTTT[6]

Gene: DEAF1 (DEAF1 transcription factor; minus strand). Cytogenetic location: 11p15.5.
Variant type: Microsatellite.
Coding change: c.1593+3910GTTTTT[6] on transcript NM_021008.4 (MANE Select); six copies in a row of the 6-base unit GTTTTT starting at c.1593+3910; the reference has five copies in a row; one copy, 6 bases duplicated.
Molecular consequence: intron variant.
Genome position (GRCh38, 1-based): chr11:650,023-650,028, AAAAAC duplicated on the plus strand (GTTTTT on the coding strand, the reverse complement: DEAF1 is on the minus strand); duplicating any 6 consecutive bases within chr11:650,023-650,056 gives the same sequence; the position shown is the placement nearest the transcript's 3' end. VCF-style (leftmost placement, unchanged base first): chr11-650022-A-AAAAAAC. GRCh37 (hg19) VCF-style: chr11-650022-A-AAAAAAC.
Other names: c.867+3910GTTTTT[6] (NM_001367390.1, NM_001440885.1, NM_001440887.1 and 1 more transcripts); c.1368+3910GTTTTT[6] (NM_001293634.2); c.1464+3910GTTTTT[6] (NM_001440884.1); c.1504-5398GTTTTT[6] (NM_001440883.1).
Identifiers: ClinVar variation 3389429 (VCV003389429.14).